The following is an entry in ClinVar:

ClinVar aggregate classification (germline): Conflicting classifications of pathogenicity. Review status: criteria provided, conflicting classifications (1 of 4 stars). 3 submissions from 3 submitters: Pathogenic (1); Likely pathogenic (1); Uncertain significance (1). Last evaluated 2026-01-02.

Conditions:
Myasthenic syndrome, congenital, 22 (CMS22). Also called: PREPL DEFICIENCY. Identifiers: MedGen C4479088, MONDO:0044299, OMIM 616224.

Allele frequency attached by ClinVar (database versions not stated): ESP Exome Variant Server 0.00008; 1000 Genomes Project 30x 0.00047; TOPMed 0.00008; 1000 Genomes Project 0.00060; gnomAD 0.00009 and 0.00014.
gnomAD v4.1: 390 of 1,612,814 alleles (0.024%); highest among the groups gnomAD compares: East Asian, 0.71%; 2 homozygotes.

Submissions (3):

Labcorp Genetics (formerly Invitae), Labcorp
Classification: Likely pathogenic for Myasthenic syndrome, congenital, 22. Last evaluated: 2026-01-02. Review status: criteria provided, single submitter. Criteria: Invitae Variant Classification Sherloc (09022015). Collection method: clinical testing. Allele origin: germline.
Comment: This sequence change affects a donor splice site in intron 12 of the PREPL gene. It is expected to disrupt RNA splicing. Variants that disrupt the donor or acceptor splice site typically lead to a loss of protein function (PMID: 16199547), and loss-of-function variants in PREPL are known to be pathogenic (PMID: 24610330, 28726805, 29913539). This variant is present in population databases (rs148092524, gnomAD 0.1%). This variant has not been reported in the literature in individuals affected with PREPL-related conditions. ClinVar contains an entry for this variant (Variation ID: 649028). Algorithms developed to predict the effect of sequence changes on RNA splicing suggest that this variant may disrupt the consensus splice site. In summary, the currently available evidence indicates that the variant is pathogenic, but additional data are needed to prove that conclusively. Therefore, this variant has been classified as Likely Pathogenic.

Dasa
Classification: Uncertain significance. Last evaluated: 2025-02-28. Review status: criteria provided, single submitter. Criteria: DASA Assertion Criteria. Collection method: clinical testing. Allele origin: germline.
Comment: NM_001171613.2(PREPL):c.1753+1G>T affects a canonical splice site and is predicted to disrupt normal RNA splicing. This variant is rare in population databases. The currently available literature and clinical evidence are not sufficient to establish a definitive association between this variant and the reported condition. Therefore, this variant is classified as a variant of uncertain significance.

Revvity Omics, Revvity
Classification: Pathogenic for Myasthenic syndrome, congenital, 22. Last evaluated: 2019-11-21. Review status: criteria provided, single submitter. Criteria: ACMG Guidelines, 2015. Collection method: clinical testing. Allele origin: germline.

Literature cited by the submitters: PubMed 16199547 (cited by Labcorp Genetics (formerly Invitae), Labcorp); PubMed 24610330 (cited by Labcorp Genetics (formerly Invitae), Labcorp); PubMed 28726805 (cited by Labcorp Genetics (formerly Invitae), Labcorp); PubMed 29913539 (cited by Labcorp Genetics (formerly Invitae), Labcorp).

NM_001171613.2(PREPL):c.1753+1G>T

Gene: PREPL (prolyl endopeptidase like; minus strand). Cytogenetic location: 2p21.
Variant type: single nucleotide variant.
Coding change: c.1753+1G>T on transcript NM_001171613.2 (MANE Select); the canonical splice donor site of the intron after coding-DNA position 1753, G replaced by T.
Molecular consequence: splice donor variant.
Genome position (GRCh38, 1-based): chr2:44,322,730, C>A on the plus strand (G>T on the coding strand, the complement: PREPL is on the minus strand). VCF-style: chr2-44322730-C-A. GRCh37 (hg19) VCF-style: chr2-44549869-C-A.
Other names: c.2020+1G>T (NM_001171603.1, NM_001374275.1, NM_001374276.1 and 2 more transcripts); c.1753+1G>T (NM_001374277.1, NM_001171617.1); c.1834+1G>T (NM_001042385.2); c.1822+1G>T (NM_001042386.2).
Identifiers: ClinVar variation 649028 (VCV000649028.14), dbSNP rs148092524, ClinGen allele CA1640979.